The following is an entry in ClinVar:

NM_024664.4(PPCS):c.748T>G (p.Tyr250Asp)

Genes: CCDC30 (coiled-coil domain containing 30; plus strand), PPCS (phosphopantothenoylcysteine synthetase; plus strand). Cytogenetic location: 1p34.2.
Variant type: single nucleotide variant.
Coding change: c.748T>G on transcript NM_024664.4 (MANE Select); coding-DNA position 748, T replaced by G.
Protein change: p.Tyr250Asp; replaces tyrosine 250 with aspartic acid.
Molecular consequence: missense variant. On other transcripts: intron variant (2).
Genome position (GRCh38, 1-based): chr1:42,459,738, T>G. VCF-style: chr1-42459738-T-G. GRCh37 (hg19) VCF-style: chr1-42925409-T-G.
Other names: c.229T>G, p.Tyr77Asp (NM_001077447.3, NM_001287506.1, NM_001287508.2 and 2 more transcripts); c.130T>G, p.Tyr44Asp (NM_001287507.1); c.-880+2388T>G (NM_001355226.2); c.612+2388T>G (NM_001287511.2); short protein forms Y44D, Y77D, Y250D.
Identifiers: ClinVar variation 2108271 (VCV002108271.2), dbSNP rs2522632009, ClinGen allele CA339949791.
Genomic context (GRCh38, chr1:42,459,738, plus strand): 5'-TTTAAGTTGGAGACTGACCCCGCCATTGTAATTAATCGAGCTCGGAAGGCTTTGGAAATT[T>G]ATCAGCATCAAGTGGTGGTGGCTAATATCCTTGAGTCACGACAGTCCTTTGTGTTTATTG-3'
Protein context (NP_078940.2, residues 240-260): INRARKALEI[Tyr250Asp]QHQVVVANIL

ClinVar aggregate classification (germline): Uncertain significance (1 of 4 stars; one submission).

Submission:

Labcorp Genetics (formerly Invitae), Labcorp
Classification: Uncertain significance. Last evaluated: 2022-03-10. Review status: criteria provided, single submitter. Criteria: Invitae Variant Classification Sherloc (09022015). Collection method: clinical testing. Allele origin: germline.
Comment: This sequence change replaces tyrosine, which is neutral and polar, with aspartic acid, which is acidic and polar, at codon 250 of the PPCS protein (p.Tyr250Asp). In summary, the available evidence is currently insufficient to determine the role of this variant in disease. Therefore, it has been classified as a Variant of Uncertain Significance. Algorithms developed to predict the effect of missense changes on protein structure and function (SIFT, PolyPhen-2, Align-GVGD) all suggest that this variant is likely to be disruptive. This variant has not been reported in the literature in individuals affected with PPCS-related conditions. This variant is not present in population databases (gnomAD no frequency).